The following is an entry in ClinVar:

ClinVar aggregate classification (germline): Uncertain significance (1 of 4 stars; one submission).

Conditions:
Hereditary cancer-predisposing syndrome. Also called: Hereditary Cancer Syndrome; Hereditary neoplastic syndrome; Neoplastic Syndromes, Hereditary; Tumor predisposition. Identifiers: Orphanet 140162, MedGen C0027672, MeSH D009386, MONDO:0015356.

Submission:

Ambry Genetics
Classification: Uncertain significance for Hereditary cancer-predisposing syndrome. Last evaluated: 2021-05-21. Review status: criteria provided, single submitter. Criteria: Ambry Variant Classification Scheme 2023. Collection method: clinical testing. Allele origin: germline.
Comment: The p.Q3394R variant (also known as c.10181A>G), located in coding exon 26 of the BRCA2 gene, results from an A to G substitution at nucleotide position 10181. The glutamine at codon 3394 is replaced by arginine, an amino acid with highly similar properties. This amino acid position is poorly conserved in available vertebrate species. In addition, this alteration is predicted to be tolerated by in silico analysis. Since supporting evidence is limited at this time, the clinical significance of this alteration remains unclear.

NM_000059.4(BRCA2):c.10181A>G (p.Gln3394Arg)

Gene: BRCA2 (BRCA2 DNA repair associated; plus strand). Cytogenetic location: 13q13.1.
Variant type: single nucleotide variant.
Coding change: c.10181A>G on transcript NM_000059.4 (MANE Select); coding-DNA position 10181, A replaced by G.
Protein change: p.Gln3394Arg; replaces glutamine 3394 with arginine.
Molecular consequence: missense variant.
Genome position (GRCh38, 1-based): chr13:32,398,694, A>G. VCF-style: chr13-32398694-A-G. GRCh37 (hg19) VCF-style: chr13-32972831-A-G.
Other names: c.10085A>G, p.Gln3362Arg (NM_001406719.1); c.10130A>G, p.Gln3377Arg (NM_001406720.1); c.5249A>G, p.Gln1750Arg (NM_001406721.1); c.3764A>G, p.Gln1255Arg (NM_001406722.1); short protein forms Q1750R, Q1255R, Q3394R, Q3362R, Q3377R.
Identifiers: ClinVar variation 1749086 (VCV001749086.2), dbSNP rs2137667433, ClinGen allele CA387768302.